The following is an entry in ClinVar:

ClinVar aggregate classification (germline): Uncertain significance (1 of 4 stars; one submission).

Conditions:
DICER1-related tumor predisposition. Also called: DICER1 syndrome; DICER1-related pleuropulmonary blastoma cancer predisposition syndrome. Identifiers: Orphanet 284343, MedGen C3839822, MONDO:0100216.

gnomAD v4.1: 1 of 1,613,886 alleles (0.000062%); highest among the groups gnomAD compares: Non-Finnish European, 0.000085%; no homozygotes.

Submission:

Labcorp Genetics (formerly Invitae), Labcorp
Classification: Uncertain significance for DICER1-related tumor predisposition. Last evaluated: 2022-08-31. Review status: criteria provided, single submitter. Criteria: Invitae Variant Classification Sherloc (09022015). Collection method: clinical testing. Allele origin: germline.
Comment: In summary, the available evidence is currently insufficient to determine the role of this variant in disease. Therefore, it has been classified as a Variant of Uncertain Significance. Variants that disrupt the consensus splice site are a relatively common cause of aberrant splicing (PMID: 17576681, 9536098). Algorithms developed to predict the effect of sequence changes on RNA splicing suggest that this variant is not likely to affect RNA splicing. ClinVar contains an entry for this variant (Variation ID: 654980). This variant has not been reported in the literature in individuals affected with DICER1-related conditions. This variant is not present in population databases (gnomAD no frequency). This sequence change falls in intron 10 of the DICER1 gene. It does not directly change the encoded amino acid sequence of the DICER1 protein. It affects a nucleotide within the consensus splice site.

Literature cited by the submitters: PubMed 17576681; PubMed 9536098.

NM_177438.3(DICER1):c.1753-3C>T

Gene: DICER1 (dicer 1, ribonuclease III; minus strand). Cytogenetic location: 14q32.13.
Variant type: single nucleotide variant.
Coding change: c.1753-3C>T on transcript NM_177438.3 (MANE Select); 3 bases into the intron before coding-DNA position 1753, C replaced by T.
Molecular consequence: intron variant.
Genome position (GRCh38, 1-based): chr14:95,115,824, G>A on the plus strand (C>T on the coding strand, the complement: DICER1 is on the minus strand). VCF-style: chr14-95115824-G-A. GRCh37 (hg19) VCF-style: chr14-95582161-G-A.
Other names: c.1753-3C>T (NM_001291628.2, NM_030621.4, NM_001271282.3 and 1 more transcripts).
Identifiers: ClinVar variation 654980 (VCV000654980.10), dbSNP rs1595407321, ClinGen allele CA915946409.